The following is an entry in ClinVar:

ClinVar aggregate classification (germline): Uncertain significance. Review status: criteria provided, multiple submitters, no conflicts (2 of 4 stars). 3 submissions from 3 submitters: Uncertain significance (3). Last evaluated 2026-02-03.

Conditions:
Familial cold autoinflammatory syndrome 2 (FCAS2). Identifiers: Orphanet 247868, MedGen C2673198, MONDO:0012724, OMIM 611762.

Allele frequency attached by ClinVar (database versions not stated): ExAC 0.00001; gnomAD 0.00001 and 0.00002; gnomAD exomes 0.00001 and 0.00002; TOPMed 0.00003; 1000 Genomes Project 30x 0.00016; 1000 Genomes Project 0.00020.

Submissions (3):

Women's Health and Genetics/Laboratory Corporation of America, LabCorp
Classification: Uncertain significance. Last evaluated: 2026-02-03. Review status: criteria provided, single submitter. Criteria: LabCorp Variant Classification Summary - May 2015. Collection method: clinical testing. Allele origin: germline.
Comment: Variant summary: NLRP12 c.753C>G (p.Asn251Lys) results in a non-conservative amino acid change in the encoded protein sequence. Algorithms developed to predict the effect of missense changes on protein structure and function are either unavailable or do not agree on the potential impact of this missense change. The variant allele was found at a frequency of 2e-05 in 251308 control chromosomes. The available data on variant occurrences in the general population are insufficient to allow any conclusion about variant significance. c.753C>G has been observed in at least one homozygous individual affected with primary immunodeficiency (example: Platt_2021). This report does not provide unequivocal conclusions about association of the variant with Familial cold autoinflammatory syndrome 2. To our knowledge, no experimental evidence demonstrating an impact on protein function has been reported. The following publication has been ascertained in the context of this evaluation (PMID: 32888943). ClinVar contains an entry for this variant (Variation ID: 1522734). Based on the evidence outlined above, the variant was classified as uncertain significance.

Labcorp Genetics (formerly Invitae), Labcorp
Classification: Uncertain significance for Familial cold autoinflammatory syndrome 2. Last evaluated: 2024-08-12. Review status: criteria provided, single submitter. Criteria: Invitae Variant Classification Sherloc (09022015). Collection method: clinical testing. Allele origin: germline.
Comment: This sequence change replaces asparagine, which is neutral and polar, with lysine, which is basic and polar, at codon 251 of the NLRP12 protein (p.Asn251Lys). This variant is present in population databases (rs553174582, gnomAD 0.01%). This missense change has been observed in individual(s) with primary immunodeficiency (PMID: 32888943). ClinVar contains an entry for this variant (Variation ID: 1522734). Advanced modeling of protein sequence and biophysical properties (such as structural, functional, and spatial information, amino acid conservation, physicochemical variation, residue mobility, and thermodynamic stability) has been performed at Invitae for this missense variant, however the output from this modeling did not meet the statistical confidence thresholds required to predict the impact of this variant on NLRP12 protein function. In summary, the available evidence is currently insufficient to determine the role of this variant in disease. Therefore, it has been classified as a Variant of Uncertain Significance.

Blueprint Genetics
Classification: Uncertain significance. Last evaluated: 2022-10-20. Review status: criteria provided, single submitter. Criteria: ACMG Guidelines, 2015. Collection method: clinical testing. Allele origin: germline.

Literature cited by the submitters: PubMed 32888943 (cited by Women's Health and Genetics/Laboratory Corporation of America, LabCorp and Labcorp Genetics (formerly Invitae), Labcorp).

NM_144687.4(NLRP12):c.753C>G (p.Asn251Lys)

Gene: NLRP12 (NLR family pyrin domain containing 12; minus strand). Cytogenetic location: 19q13.42.
Variant type: single nucleotide variant.
Coding change: c.753C>G on transcript NM_144687.4 (MANE Select); coding-DNA position 753, C replaced by G.
Protein change: p.Asn251Lys; replaces asparagine 251 with lysine.
Molecular consequence: missense variant.
Genome position (GRCh38, 1-based): chr19:53,810,906, G>C on the plus strand (C>G on the coding strand, the complement: NLRP12 is on the minus strand). VCF-style: chr19-53810906-G-C. GRCh37 (hg19) VCF-style: chr19-54314160-G-C.
Other names: c.753C>G, p.Asn251Lys (NM_001277126.2, NM_001277129.1); short protein forms N251K.
Identifiers: ClinVar variation 1522734 (VCV001522734.10), dbSNP rs553174582, ClinGen allele CA9639617.